The following is an entry in ClinVar:

NM_000535.7(PMS2):c.2257T>C (p.Phe753Leu)

Gene: PMS2 (PMS1 homolog 2, mismatch repair system component; minus strand). Cytogenetic location: 7p22.1.
Variant type: single nucleotide variant.
Coding change: c.2257T>C on transcript NM_000535.7 (MANE Select); coding-DNA position 2257, T replaced by C.
Protein change: p.Phe753Leu; replaces phenylalanine 753 with leucine.
Molecular consequence: missense variant. On other transcripts: non-coding transcript variant (1), intron variant (2).
Genome position (GRCh38, 1-based): chr7:5,978,614, A>G on the plus strand (T>C on the coding strand, the complement: PMS2 is on the minus strand). VCF-style: chr7-5978614-A-G. GRCh37 (hg19) VCF-style: chr7-6018245-A-G.
Other names: c.1792T>C, p.Phe598Leu (NM_001406900.1); c.1783T>C, p.Phe595Leu (NM_001406901.1, NM_001406902.1); c.1771T>C, p.Phe591Leu (NM_001406903.1); c.1744T>C, p.Phe582Leu (NM_001406904.1, NM_001406905.1); c.1696T>C, p.Phe566Leu (NM_001406906.1, NM_001406907.1, NM_001322010.2); c.1684T>C, p.Phe562Leu (NM_001406908.1, NM_001406909.1, NM_001322013.2); c.1486T>C, p.Phe496Leu (NM_001406911.1); c.1054T>C, p.Phe352Leu (NM_001406912.1); and 16 more; short protein forms F618L, F647L, F650L, F697L, F753L, F352L, F582L, F591L.
Identifiers: ClinVar variation 4771421 (VCV004771421.1).
Genomic context (GRCh38, chr7:5,978,614, plus strand): 5'-AGCCACCACACCCAGCCGCTATAGTTCTAATTAATAACTTACCATTTTCATCGATAACAA[A>G]ATCAAAGCCATTCTTTCTAAATATTTCCAGATTTTCTATCAGAACAGCTTCATTAACAGC-3'
Protein context (NP_000526.2, residues 743-763): LEIFRKNGFD[Phe753Leu]VIDENAPVTE

ClinVar aggregate classification (germline): Uncertain significance (1 of 4 stars; one submission).

Conditions:
Hereditary nonpolyposis colorectal neoplasms. Identifiers: MedGen C0009405, MeSH D003123.

Submission:

Labcorp Genetics (formerly Invitae), Labcorp
Classification: Uncertain significance for Hereditary nonpolyposis colorectal neoplasms. Last evaluated: 2025-08-22. Review status: criteria provided, single submitter. Criteria: Invitae Variant Classification Sherloc (09022015). Collection method: clinical testing. Allele origin: germline.
Comment: This sequence change replaces phenylalanine, which is neutral and non-polar, with leucine, which is neutral and non-polar, at codon 753 of the PMS2 protein (p.Phe753Leu). The frequency data for this variant in the population databases (gnomAD) is considered unreliable due to the presence of homologous sequence, such as pseudogenes or paralogs, in the genome. This variant has not been reported in the literature in individuals affected with PMS2-related conditions. Invitae Evidence Modeling incorporating data from in vitro experimental studies (internal data) indicates that this missense variant is not expected to disrupt PMS2 function with a negative predictive value of 95%. In summary, the available evidence is currently insufficient to determine the role of this variant in disease. Therefore, it has been classified as a Variant of Uncertain Significance.